The following is an entry in ClinVar:

ClinVar aggregate classification (germline): Uncertain significance (1 of 4 stars; one submission).

Conditions:
Hereditary cancer-predisposing syndrome. Also called: Tumor predisposition; Hereditary Cancer Syndrome; Hereditary neoplastic syndrome; Neoplastic Syndromes, Hereditary. Identifiers: Orphanet 140162, MedGen C0027672, MeSH D009386, MONDO:0015356.

Submission:

Ambry Genetics
Classification: Uncertain significance for Hereditary cancer-predisposing syndrome. Last evaluated: 2024-08-22. Review status: criteria provided, single submitter. Criteria: Ambry Variant Classification Scheme 2023. Collection method: clinical testing. Allele origin: germline.
Comment: The p.P919S variant (also known as c.2755C>T), located in coding exon 18 of the SMARCA4 gene, results from a C to T substitution at nucleotide position 2755. The proline at codon 919 is replaced by serine, an amino acid with similar properties. This amino acid position is highly conserved in available vertebrate species. In addition, the in silico prediction for this alteration is inconclusive. Based on the available evidence, the clinical significance of this variant remains unclear.

NM_003072.5(SMARCA4):c.2755C>T (p.Pro919Ser)

Gene: SMARCA4 (SWI/SNF related BAF chromatin remodeling complex subunit ATPase 4; plus strand). Cytogenetic location: 19p13.2.
Variant type: single nucleotide variant.
Coding change: c.2755C>T on transcript NM_003072.5 (MANE Select); coding-DNA position 2755, C replaced by T.
Protein change: p.Pro919Ser; replaces proline 919 with serine.
Molecular consequence: missense variant. On other transcripts: non-coding transcript variant (1).
Genome position (GRCh38, 1-based): chr19:11,021,863, C>T. VCF-style: chr19-11021863-C-T. GRCh37 (hg19) VCF-style: chr19-11132539-C-T.
Other names: c.2755C>T, p.Pro919Ser (NM_001128849.3, NM_001374457.1, NM_001387283.1 and 5 more transcripts); short protein forms P919S.
Identifiers: ClinVar variation 486486 (VCV000486486.6), dbSNP rs1555778756, ClinGen allele CA404056360.